The following is an entry in ClinVar:

ClinVar aggregate classification (germline): Likely benign. Review status: criteria provided, multiple submitters, no conflicts (2 of 4 stars). 3 submissions from 3 submitters: Likely benign (3). Last evaluated 2023-08-17.

Conditions:
Hereditary cancer-predisposing syndrome. Also called: Tumor predisposition; Hereditary neoplastic syndrome; Neoplastic Syndromes, Hereditary; Hereditary Cancer Syndrome. Identifiers: Orphanet 140162, MedGen C0027672, MeSH D009386, MONDO:0015356.

Submissions (3):

Labcorp Genetics (formerly Invitae), Labcorp
Classification: Likely benign. Last evaluated: 2023-08-17. Review status: criteria provided, single submitter. Criteria: Invitae Variant Classification Sherloc (09022015). Collection method: clinical testing. Allele origin: germline.

Ambry Genetics
Classification: Likely benign for Hereditary cancer-predisposing syndrome. Last evaluated: 2022-08-06. Review status: criteria provided, single submitter. Criteria: Ambry Variant Classification Scheme 2023. Collection method: clinical testing. Allele origin: germline.

GeneDx
Classification: Likely benign. Last evaluated: 2015-11-17. Review status: criteria provided, single submitter. Criteria: GeneDx Variant Classification (06012015). Collection method: clinical testing. Allele origin: germline. Affected: yes.
Comment: This variant is considered likely benign or benign based on one or more of the following criteria: it is a conservative change, it occurs at a poorly conserved position in the protein, it is predicted to be benign by multiple in silico algorithms, and/or has population frequency not consistent with disease.

NM_006231.4(POLE):c.2289C>T (p.Asp763=)

Gene: POLE (DNA polymerase epsilon, catalytic subunit; minus strand). Cytogenetic location: 12q24.33.
Variant type: single nucleotide variant.
Coding change: c.2289C>T on transcript NM_006231.4 (MANE Select); coding-DNA position 2289, C replaced by T.
Protein change: p.Asp763=; no amino-acid change (aspartic acid 763 retained).
Molecular consequence: synonymous variant.
Genome position (GRCh38, 1-based): chr12:132,667,533, G>A on the plus strand (C>T on the coding strand, the complement: POLE is on the minus strand). VCF-style: chr12-132667533-G-A. GRCh37 (hg19) VCF-style: chr12-133244119-G-A.
Identifiers: ClinVar variation 381619 (VCV000381619.12), dbSNP rs1057521109, ClinGen allele CA16606445.
Genomic context (GRCh38, chr12:132,667,533, plus strand): 5'-GGCCAAAGCTTGCAGCCCCTCAGAGCTCACCTTGTGGAGCCCTTTGAACTCGTAACGCCT[G>A]TCCCGGAAGGCACGCACGGTGTCCACGTAGAAGGAGTTTTCCCGCTGGCAGATGGTGGTG-3'
Protein context (NP_006222.2, residues 753-773): FYVDTVRAFR[Asp763=]RRYEFKGLHK